The following is an entry in ClinVar:

NM_000264.5(PTCH1):c.11C>G (p.Ala4Gly)

Genes: PTCH1 (patched 1; minus strand), LOC130002133 (ATAC-STARR-seq lymphoblastoid silent region 20071; plus strand). Cytogenetic location: 9q22.32.
Variant type: single nucleotide variant.
Coding change: c.11C>G on transcript NM_000264.5 (MANE Select); coding-DNA position 11, C replaced by G.
Protein change: p.Ala4Gly; replaces alanine 4 with glycine.
Molecular consequence: missense variant. On other transcripts: non-coding transcript variant (1), intron variant (3).
Genome position (GRCh38, 1-based): chr9:95,508,351, G>C on the plus strand (C>G on the coding strand, the complement: PTCH1 is on the minus strand). VCF-style: chr9-95508351-G-C. GRCh37 (hg19) VCF-style: chr9-98270633-G-C.
Other names: c.11C>G, p.Ala4Gly (NM_001354918.2); c.199-1752C>G (NM_001083603.3); c.4-1752C>G (NM_001083602.3, NM_001354919.2); short protein forms A4G.
Identifiers: ClinVar variation 409166 (VCV000409166.21), dbSNP rs540045689, ClinGen allele CA16612694.

ClinVar aggregate classification (germline): Uncertain significance. Review status: criteria provided, multiple submitters, no conflicts (2 of 4 stars). 5 submissions from 4 submitters: Uncertain significance (5). Last evaluated 2025-10-23.

Conditions:
Hereditary cancer-predisposing syndrome. Also called: Hereditary neoplastic syndrome; Neoplastic Syndromes, Hereditary; Tumor predisposition; Hereditary Cancer Syndrome. Identifiers: Orphanet 140162, MedGen C0027672, MeSH D009386, MONDO:0015356.
Holoprosencephaly 7 (HPE7). Identifiers: Orphanet 2162, MedGen C1835820, MONDO:0012562, OMIM 610828.
Gorlin syndrome. Also called: Nevoid Basal Cell Carcinoma Syndrome; Basal cell nevus syndrome. Identifiers: Orphanet 377, MedGen C0004779, MONDO:0007187.

Allele frequency attached by ClinVar (database versions not stated): gnomAD below 0.00001 and 0.00001; TOPMed below 0.00001; gnomAD exomes 0.00004; 1000 Genomes Project 30x 0.00016; 1000 Genomes Project 0.00020.

Submissions (5):

Labcorp Genetics (formerly Invitae), Labcorp
Classification: Uncertain significance for Gorlin syndrome. Last evaluated: 2025-10-23. Review status: criteria provided, single submitter. Criteria: Invitae Variant Classification Sherloc (09022015). Collection method: clinical testing. Allele origin: germline.
Comment: This sequence change replaces alanine, which is neutral and non-polar, with glycine, which is neutral and non-polar, at codon 4 of the PTCH1 protein (p.Ala4Gly). This variant is not present in population databases (gnomAD no frequency). This variant has not been reported in the literature in individuals affected with PTCH1-related conditions. ClinVar contains an entry for this variant (Variation ID: 409166). Invitae Evidence Modeling of protein sequence and biophysical properties (such as structural, functional, and spatial information, amino acid conservation, physicochemical variation, residue mobility, and thermodynamic stability) indicates that this missense variant is not expected to disrupt PTCH1 protein function with a negative predictive value of 95%. In summary, the available evidence is currently insufficient to determine the role of this variant in disease. Therefore, it has been classified as a Variant of Uncertain Significance.

Ambry Genetics
Classification: Uncertain significance for Hereditary cancer-predisposing syndrome. Last evaluated: 2024-06-05. Review status: criteria provided, single submitter. Criteria: Ambry Variant Classification Scheme 2023. Collection method: clinical testing. Allele origin: germline.
Comment: The p.A4G variant (also known as c.11C>G), located in coding exon 1 of the PTCH1 gene, results from a C to G substitution at nucleotide position 11. The alanine at codon 4 is replaced by glycine, an amino acid with similar properties. This amino acid position is conserved. In addition, this alteration is predicted to be tolerated by in silico analysis. Since supporting evidence is limited at this time, the clinical significance of this alteration remains unclear.

GeneDx
Classification: Uncertain significance. Last evaluated: 2023-08-03. Review status: criteria provided, single submitter. Criteria: GeneDx Variant Classification Process June 2021. Collection method: clinical testing. Allele origin: germline. Affected: yes.
Comment: Not observed at significant frequency in large population cohorts (gnomAD); In silico analysis supports that this missense variant does not alter protein structure/function; Has not been previously published as pathogenic or benign to our knowledge

Illumina Laboratory Services, Illumina
Classification: Uncertain significance for Holoprosencephaly 7. Last evaluated: 2018-01-13. Review status: criteria provided, single submitter. Criteria: ICSL Variant Classification Criteria 13 December 2019. Collection method: clinical testing. Allele origin: germline.

Illumina Laboratory Services, Illumina
Classification: Uncertain significance for Basal cell nevus syndrome 1. Last evaluated: 2018-01-13. Review status: criteria provided, single submitter. Criteria: ICSL Variant Classification Criteria 13 December 2019. Collection method: clinical testing. Allele origin: germline.